The following is an entry in ClinVar:

ClinVar aggregate classification (germline): Uncertain significance (1 of 4 stars; one submission).

Allele frequency attached by ClinVar (database versions not stated): gnomAD exomes below 0.00001.
gnomAD v4.1: 1 of 1,614,232 alleles (0.000062%); highest among the groups gnomAD compares: Non-Finnish European, 0.000085%; no homozygotes.

Submission:

Labcorp Genetics (formerly Invitae), Labcorp
Classification: Uncertain significance. Last evaluated: 2023-12-15. Review status: criteria provided, single submitter. Criteria: Invitae Variant Classification Sherloc (09022015). Collection method: clinical testing. Allele origin: germline.
Comment: This sequence change replaces lysine, which is basic and polar, with isoleucine, which is neutral and non-polar, at codon 1570 of the MYH3 protein (p.Lys1570Ile). This variant is not present in population databases (gnomAD no frequency). This variant has not been reported in the literature in individuals affected with MYH3-related conditions. Advanced modeling of protein sequence and biophysical properties (such as structural, functional, and spatial information, amino acid conservation, physicochemical variation, residue mobility, and thermodynamic stability) has been performed at Invitae for this missense variant, however the output from this modeling did not meet the statistical confidence thresholds required to predict the impact of this variant on MYH3 protein function. In summary, the available evidence is currently insufficient to determine the role of this variant in disease. Therefore, it has been classified as a Variant of Uncertain Significance.

NM_002470.4(MYH3):c.4709A>T (p.Lys1570Ile)

Gene: MYH3 (myosin heavy chain 3; minus strand). Cytogenetic location: 17p13.1.
Variant type: single nucleotide variant.
Coding change: c.4709A>T on transcript NM_002470.4 (MANE Select); coding-DNA position 4709, A replaced by T.
Protein change: p.Lys1570Ile; replaces lysine 1570 with isoleucine.
Molecular consequence: missense variant.
Genome position (GRCh38, 1-based): chr17:10,632,723, T>A on the plus strand (A>T on the coding strand, the complement: MYH3 is on the minus strand). VCF-style: chr17-10632723-T-A. GRCh37 (hg19) VCF-style: chr17-10536040-T-A.
Other names: short protein forms K1570I.
Identifiers: ClinVar variation 3001170 (VCV003001170.3), dbSNP rs929625003, ClinGen allele CA398137921.
Genomic context (GRCh38, chr17:10,632,723, plus strand): 5'-TTCCTCTTCAGCTGCTCGATCTCTTCATCCTTCTCGGCGATCTTTCTATCAATTTCTGAT[T>A]TCACTTGTGTCAATTCAAGCTGGATTCGGAGGATCTTGGCTTCTTCATGCTCAAGAGCAG-3'
Protein context (NP_002461.2, residues 1560-1580): LRIQLELTQV[Lys1570Ile]SEIDRKIAEK